The following is an entry in ClinVar:

ClinVar aggregate classification (germline): Uncertain significance. Review status: criteria provided, multiple submitters, no conflicts (2 of 4 stars). 2 submissions from 2 submitters: Uncertain significance (2). Last evaluated 2026-01-15.

Conditions:
Hereditary cancer-predisposing syndrome. Also called: Tumor predisposition; Hereditary Cancer Syndrome; Hereditary neoplastic syndrome; Neoplastic Syndromes, Hereditary. Identifiers: Orphanet 140162, MedGen C0027672, MeSH D009386, MONDO:0015356.
Costello syndrome (CSTLO). Also called: HRAS-Related Costello Syndrome; FACIOCUTANEOSKELETAL SYNDROME; FCS SYNDROME. Identifiers: Orphanet 3071, MedGen C0587248, MONDO:0009026, OMIM 218040.

Allele frequency attached by ClinVar (database versions not stated): gnomAD exomes below 0.00001; gnomAD 0.00001; ESP Exome Variant Server 0.00008.
gnomAD v4.1: 4 of 1,613,504 alleles (0.00025%); highest among the groups gnomAD compares: East Asian, 0.0022%; no homozygotes.

Submissions (2):

Labcorp Genetics (formerly Invitae), Labcorp
Classification: Uncertain significance for Costello syndrome. Last evaluated: 2026-01-15. Review status: criteria provided, single submitter. Criteria: Invitae Variant Classification Sherloc (09022015). Collection method: clinical testing. Allele origin: germline.
Comment: This sequence change replaces tyrosine, which is neutral and polar, with cysteine, which is neutral and slightly polar, at codon 141 of the HRAS protein (p.Tyr141Cys). This variant is present in population databases (rs372048612, gnomAD 0.006%). This variant has not been reported in the literature in individuals affected with HRAS-related conditions. ClinVar contains an entry for this variant (Variation ID: 838341). Invitae Evidence Modeling incorporating data from in vitro experimental studies (internal data) indicates that this missense variant is not expected to disrupt HRAS function with a negative predictive value of 95%. In summary, the available evidence is currently insufficient to determine the role of this variant in disease. Therefore, it has been classified as a Variant of Uncertain Significance.

Sema4
Classification: Uncertain significance for Hereditary cancer-predisposing syndrome. Last evaluated: 2022-02-08. Review status: criteria provided, single submitter. Criteria: Sema4 Curation Guidelines. Collection method: curation. Allele origin: germline.
Comment: The HRAS c.422A>G (p.Y141C) variant has not been reported in the literature to our knowledge. This variant was observed in 1/18388 chromosomes in the East Asian population, according to the Genome Aggregation Database (PMID: 32461654). The variant has been reported in ClinVar (Variation ID: 838341). Functional studies have not been performed, and in silico predictions of the variant's effect on protein function are inconclusive. The evidence is insufficient to meet ACMG/AMP criteria for classifying the variant as benign or pathogenic. Thus, the clinical significance of this variant is currently uncertain.

NM_005343.4(HRAS):c.422A>G (p.Tyr141Cys)

Genes: HRAS (HRas proto-oncogene, GTPase; minus strand), LRRC56 (leucine rich repeat containing 56; plus strand). Cytogenetic location: 11p15.5.
Variant type: single nucleotide variant.
Coding change: c.422A>G on transcript NM_005343.4 (MANE Select); coding-DNA position 422, A replaced by G.
Protein change: p.Tyr141Cys; replaces tyrosine 141 with cysteine.
Molecular consequence: missense variant.
Genome position (GRCh38, 1-based): chr11:533,481, T>C on the plus strand (A>G on the coding strand, the complement: HRAS is on the minus strand). VCF-style: chr11-533481-T-C. GRCh37 (hg19) VCF-style: chr11-533481-T-C.
Other names: c.422A>G, p.Tyr141Cys (NM_001130442.3, NM_176795.5); c.103A>G, p.Thr35Ala (NM_001318054.2); short protein forms T35A, Y141C.
Identifiers: ClinVar variation 838341 (VCV000838341.9), dbSNP rs372048612, ClinGen allele CA216882638.